The following is an entry in ClinVar:

ClinVar aggregate classification (germline): Uncertain significance (1 of 4 stars; one submission).

Submission:

GeneDx
Classification: Uncertain significance. Last evaluated: 2024-02-21. Review status: criteria provided, single submitter. Criteria: GeneDx Variant Classification Process June 2021. Collection method: clinical testing. Allele origin: germline. Affected: yes.
Comment: Not observed at significant frequency in large population cohorts (gnomAD); In silico analysis supports that this missense variant has a deleterious effect on protein structure/function; Has not been previously published as pathogenic or benign to our knowledge

NM_002764.4(PRPS1):c.912C>A (p.His304Gln)

Gene: PRPS1 (phosphoribosyl pyrophosphate synthetase 1; plus strand). Cytogenetic location: Xq22.3.
Variant type: single nucleotide variant.
Coding change: c.912C>A on transcript NM_002764.4 (MANE Select); coding-DNA position 912, C replaced by A.
Protein change: p.His304Gln; replaces histidine 304 with glutamine.
Molecular consequence: missense variant.
Genome position (GRCh38, 1-based): chrX:107,649,987, C>A. VCF-style: chrX-107649987-C-A. GRCh37 (hg19) VCF-style: chrX-106893217-C-A.
Other names: c.300C>A, p.His100Gln (NM_001204402.2); short protein forms H100Q, H304Q.
Identifiers: ClinVar variation 3368927 (VCV003368927.1).
Genomic context (GRCh38, chrX:107,649,987, plus strand): 5'-CTTGCCTTTCTAGGTGATTGACATCTCTATGATCCTTGCAGAAGCCATCAGGAGAACTCA[C>A]AATGGAGAATCCGTTTCTTACCTATTCAGCCATGTCCCTTTATAATAGAGTAACTTCTGA-3'
Protein context (NP_002755.1, residues 294-314): MILAEAIRRT[His304Gln]NGESVSYLFS